The following is an entry in ClinVar:

NC_000008.10:g.(?_145739619)_(145739814_?)del

Gene: RECQL4 (RecQ like helicase 4; minus strand). Cytogenetic location: 8q24.3.
Variant type: Deletion.
Identifiers: ClinVar variation 2425050 (VCV002425050.2).

ClinVar aggregate classification (germline): Likely pathogenic (1 of 4 stars; one submission).

Conditions:
Baller-Gerold syndrome (BGS). Also called: CRANIOSYNOSTOSIS WITH RADIAL DEFECTS. Identifiers: Orphanet 1225, MedGen C0265308, MONDO:0009039, OMIM 218600.

Submission:

Labcorp Genetics (formerly Invitae), Labcorp
Classification: Likely pathogenic for Baller-Gerold syndrome. Last evaluated: 2022-10-05. Review status: criteria provided, single submitter. Criteria: Invitae Variant Classification Sherloc (09022015). Collection method: clinical testing. Allele origin: germline.
Comment: In summary, the currently available evidence indicates that the variant is pathogenic, but additional data are needed to prove that conclusively. Therefore, this variant has been classified as Likely Pathogenic. This variant has not been reported in the literature in individuals affected with RECQL4-related conditions. This variant results in the deletion of part of exon 11 of the RECQL4 gene. It is expected to disrupt RNA splicing. Variants that disrupt the donor or acceptor splice site typically lead to a loss of protein function (PMID: 16199547), and loss-of-function variants in RECQL4 are known to be pathogenic (PMID: 12734318, 12952869).

Literature cited by the submitters: PubMed 16199547; PubMed 12734318; PubMed 12952869.